The following is an entry in ClinVar:

ClinVar aggregate classification (germline): Uncertain significance (1 of 4 stars; one submission).

Submission:

GeneDx
Classification: Uncertain significance. Last evaluated: 2023-01-30. Review status: criteria provided, single submitter. Criteria: GeneDx Variant Classification Process June 2021. Collection method: clinical testing. Allele origin: germline. Affected: yes.
Comment: Not observed at significant frequency in large population cohorts (gnomAD); In silico analysis supports that this missense variant does not alter protein structure/function; Has not been previously published as pathogenic or benign to our knowledge

NM_001378183.1(PIEZO2):c.6465T>A (p.Asp2155Glu)

Gene: PIEZO2 (piezo type mechanosensitive ion channel component 2; minus strand). Cytogenetic location: 18p11.22.
Variant type: single nucleotide variant.
Coding change: c.6465T>A on transcript NM_001378183.1 (MANE Select); coding-DNA position 6465, T replaced by A.
Protein change: p.Asp2155Glu; replaces aspartic acid 2155 with glutamic acid.
Molecular consequence: missense variant.
Genome position (GRCh38, 1-based): chr18:10,699,154, A>T on the plus strand (T>A on the coding strand, the complement: PIEZO2 is on the minus strand). VCF-style: chr18-10699154-A-T. GRCh37 (hg19) VCF-style: chr18-10699152-A-T.
Other names: c.6201T>A, p.Asp2067Glu (NM_001410871.1); c.6126T>A, p.Asp2042Glu (NM_022068.4); short protein forms D2042E, D2067E, D2155E.
Identifiers: ClinVar variation 2574307 (VCV002574307.1), dbSNP rs2510281326, ClinGen allele CA401909113.